The following is an entry in ClinVar:

NM_001008537.3(NEXMIF):c.2099T>A (p.Val700Glu)

Gene: NEXMIF (neurite extension and migration factor; minus strand). Cytogenetic location: Xq13.3.
Variant type: single nucleotide variant.
Coding change: c.2099T>A on transcript NM_001008537.3 (MANE Select); coding-DNA position 2099, T replaced by A.
Protein change: p.Val700Glu; replaces valine 700 with glutamic acid.
Molecular consequence: missense variant.
Genome position (GRCh38, 1-based): chrX:74,742,458, A>T on the plus strand (T>A on the coding strand, the complement: NEXMIF is on the minus strand). VCF-style: chrX-74742458-A-T. GRCh37 (hg19) VCF-style: chrX-73962293-A-T.
Other names: short protein forms V700E.
Identifiers: ClinVar variation 1800321 (VCV001800321.2), dbSNP rs772671611, ClinGen allele CA10455076.

ClinVar aggregate classification (germline): Uncertain significance (1 of 4 stars; one submission).

Allele frequency attached by ClinVar (database versions not stated): gnomAD exomes below 0.00001; TOPMed below 0.00001; ExAC 0.00001; gnomAD 0.00001.
gnomAD v4.1: 3 of 1,207,899 alleles (0.00025%); highest among the groups gnomAD compares: East Asian, 0.0089%; no homozygotes.

Submission:

Ambry Genetics
Classification: Uncertain significance. Last evaluated: 2018-11-19. Review status: criteria provided, single submitter. Criteria: Ambry Variant Classification Scheme 2023. Collection method: clinical testing. Allele origin: germline.
Comment: The p.V700E variant (also known as c.2099T>A), located in coding exon 2 of the KIAA2022 gene, results from a T to A substitution at nucleotide position 2099. The valine at codon 700 is replaced by glutamic acid, an amino acid with dissimilar properties. This amino acid position is not well conserved in available vertebrate species. In addition, this alteration is predicted to be tolerated by in silico analysis. Since supporting evidence is limited at this time, the clinical significance of this alteration remains unclear.